The following is an entry in ClinVar:

ClinVar aggregate classification (germline): Uncertain significance. Review status: criteria provided, multiple submitters, no conflicts (2 of 4 stars). 2 submissions from 2 submitters: Uncertain significance (2). Last evaluated 2023-05-03.

Conditions:
Primary ciliary dyskinesia. Also called: Ciliary dyskinesia. Identifiers: Orphanet 244, MedGen C0008780, MONDO:0016575, HP:0012265.

Allele frequency attached by ClinVar (database versions not stated): gnomAD exomes 0.00001; TOPMed 0.00001.
gnomAD v4.1: 5 of 1,561,556 alleles (0.00032%); highest among the groups gnomAD compares: East Asian, 0.0072%; no homozygotes.

Submissions (2):

Ambry Genetics
Classification: Uncertain significance for Primary ciliary dyskinesia. Last evaluated: 2023-05-03. Review status: criteria provided, single submitter. Criteria: Ambry Variant Classification Scheme 2023. Collection method: clinical testing. Allele origin: germline.

Labcorp Genetics (formerly Invitae), Labcorp
Classification: Uncertain significance for Primary ciliary dyskinesia. Last evaluated: 2022-07-24. Review status: criteria provided, single submitter. Criteria: Invitae Variant Classification Sherloc (09022015). Collection method: clinical testing. Allele origin: germline.
Comment: In summary, the available evidence is currently insufficient to determine the role of this variant in disease. Therefore, it has been classified as a Variant of Uncertain Significance. Algorithms developed to predict the effect of missense changes on protein structure and function are either unavailable or do not agree on the potential impact of this missense change (SIFT: "Deleterious"; PolyPhen-2: "Probably Damaging"; Align-GVGD: "Class C0"). This variant has not been reported in the literature in individuals affected with DNAAF2-related conditions. This variant is present in population databases (no rsID available, gnomAD 0.03%). This sequence change replaces glutamic acid, which is acidic and polar, with aspartic acid, which is acidic and polar, at codon 60 of the DNAAF2 protein (p.Glu60Asp).

NM_018139.3(DNAAF2):c.180G>C (p.Glu60Asp)

Gene: DNAAF2 (dynein axonemal assembly factor 2; minus strand). Cytogenetic location: 14q21.3.
Variant type: single nucleotide variant.
Coding change: c.180G>C on transcript NM_018139.3 (MANE Select); coding-DNA position 180, G replaced by C.
Protein change: p.Glu60Asp; replaces glutamic acid 60 with aspartic acid.
Molecular consequence: missense variant.
Genome position (GRCh38, 1-based): chr14:49,634,970, C>G on the plus strand (G>C on the coding strand, the complement: DNAAF2 is on the minus strand). VCF-style: chr14-49634970-C-G. GRCh37 (hg19) VCF-style: chr14-50101688-C-G.
Other names: c.180G>C, p.Glu60Asp (NM_001083908.2); c.180G>C (NM_018139.2); short protein forms E60D.
Identifiers: ClinVar variation 2068979 (VCV002068979.6), dbSNP rs1484307667, ClinGen allele CA389632380.